The following is an entry in ClinVar:

NM_000548.5(TSC2):c.2967C>T (p.Ser989=)

Gene: TSC2 (TSC complex subunit 2; plus strand). Cytogenetic location: 16p13.3.
Variant type: single nucleotide variant.
Coding change: c.2967C>T on transcript NM_000548.5 (MANE Select); coding-DNA position 2967, C replaced by T.
Protein change: p.Ser989=; no amino-acid change (serine 989 retained).
Molecular consequence: synonymous variant. On other transcripts: intron variant (4).
Genome position (GRCh38, 1-based): chr16:2,079,032, C>T. VCF-style: chr16-2079032-C-T. GRCh37 (hg19) VCF-style: chr16-2129033-C-T.
Other names: c.2967C>T (NM_000548.3); c.2967C>T, p.Ser989= (NM_001114382.3); c.2727C>T, p.Ser909= (NM_001318827.2); c.2691C>T, p.Ser897= (NM_001318829.2); c.2838C>T, p.Ser946= (NM_001363528.2, NM_001370405.1, NM_021055.3); c.2838-3C>T (NM_001370404.1, NM_001077183.3); c.2238-3C>T (NM_001318831.2); c.2871-3C>T (NM_001318832.2).
Identifiers: ClinVar variation 1516402 (VCV001516402.7), dbSNP rs766417784, ClinGen allele CA043543.
Genomic context (GRCh38, chr16:2,079,032, plus strand): 5'-ATAGGTGGCTCGGCCCGCCCTACCTGGCACCCTGACCCTGGTCACGGCCTCTCCCTCCAG[C>T]AGGATACAGACGTCCCTCACCAGTGCCAGCTTGGGGTCTGCAGATGAGAACTCCGTGGCC-3'
Protein context (NP_000539.2, residues 979-999): SISVSEHVVR[Ser989=]RIQTSLTSAS

ClinVar aggregate classification (germline): Conflicting classifications of pathogenicity. Review status: criteria provided, conflicting classifications (1 of 4 stars). 2 submissions from 2 submitters: Uncertain significance (1); Likely benign (1). Last evaluated 2025-11-05.

Conditions:
Hereditary cancer-predisposing syndrome. Also called: Neoplastic Syndromes, Hereditary; Hereditary Cancer Syndrome; Tumor predisposition; Hereditary neoplastic syndrome. Identifiers: Orphanet 140162, MedGen C0027672, MeSH D009386, MONDO:0015356.
Tuberous sclerosis 2 (TSC2). Identifiers: Orphanet 805, MedGen C1860707, MONDO:0013199, OMIM 613254.

Allele frequency attached by ClinVar (database versions not stated): gnomAD exomes below 0.00001 and 0.00001; ExAC 0.00002.
gnomAD v4.1: 2 of 1,612,698 alleles (0.00012%); highest among the groups gnomAD compares: Admixed American, 0.0033%; no homozygotes.

Submissions (2):

Labcorp Genetics (formerly Invitae), Labcorp
Classification: Uncertain significance for Tuberous sclerosis 2. Last evaluated: 2025-11-05. Review status: criteria provided, single submitter. Criteria: Invitae Variant Classification Sherloc (09022015). Collection method: clinical testing. Allele origin: germline.
Comment: This sequence change affects codon 989 of the TSC2 mRNA. It is a 'silent' change, meaning that it does not change the encoded amino acid sequence of the TSC2 protein. It affects a nucleotide within the consensus splice site. This variant is present in population databases (rs766417784, gnomAD 0.006%). This variant has not been reported in the literature in individuals affected with TSC2-related conditions. ClinVar contains an entry for this variant (Variation ID: 1516402). Algorithms developed to predict the effect of sequence changes on RNA splicing suggest that this variant is not likely to affect RNA splicing. In summary, the available evidence is currently insufficient to determine the role of this variant in disease. Therefore, it has been classified as a Variant of Uncertain Significance.

Ambry Genetics
Classification: Likely benign for Hereditary cancer-predisposing syndrome. Last evaluated: 2024-07-24. Review status: criteria provided, single submitter. Criteria: Ambry Variant Classification Scheme 2023. Collection method: clinical testing. Allele origin: germline.